The following is an entry in ClinVar:

NM_000092.5(COL4A4):c.647del (p.Pro216fs)

Gene: COL4A4 (collagen type IV alpha 4 chain; minus strand). Cytogenetic location: 2q36.3.
Variant type: Deletion.
Coding change: c.647del on transcript NM_000092.5 (MANE Select); coding-DNA position 647, one base deleted (C; older notation c.647delC).
Protein change: p.Pro216fs; shifts the reading frame from proline 216.
Molecular consequence: frameshift variant.
Genome position (GRCh38, 1-based): chr2:227,109,234, G deleted on the plus strand (C on the coding strand, the reverse complement: COL4A4 is on the minus strand); the first of 2 consecutive G bases (chr2:227,109,234-227,109,235); deleting either gives the same sequence. VCF-style (leftmost placement, unchanged base first): chr2-227109233-TG-T. GRCh37 (hg19) VCF-style: chr2-227973949-TG-T.
Other names: p.Pro216Glnfs*3; short protein forms P216fs.
Identifiers: ClinVar variation 4540818 (VCV004540818.1).
Genomic context (GRCh38, chr2:227,109,233, plus strand): 5'-TCATGTAGAATCTGGTTTTTAAAGGGATCACATCAGCAGTGCTGTACTTACCACTAACCC[TG>T]GCTCTCCAGGATATCCTGTGGGACCTGCCGGTCCTCCTGCACCCCAAGATCCCTAAACAT-3'

ClinVar aggregate classification (germline): Likely pathogenic (1 of 4 stars; one submission).

Submission:

Mayo Clinic Laboratories, Mayo Clinic
Classification: Likely pathogenic. Last evaluated: 2025-04-23. Review status: criteria provided, single submitter. Criteria: ACMG Guidelines, 2015. Collection method: clinical testing. Allele origin: germline. Observed: 1 variant allele.
Comment: PM2_supporting, PVS1

Literature cited by the submitters: PubMed 24052634; PubMed 35602506.